The following is an entry in ClinVar:

NM_001378418.1(TCF20):c.4742G>A (p.Arg1581Lys)

Gene: TCF20 (transcription factor 20; minus strand). Cytogenetic location: 22q13.2.
Variant type: single nucleotide variant.
Coding change: c.4742G>A on transcript NM_001378418.1 (MANE Select); coding-DNA position 4742, G replaced by A.
Protein change: p.Arg1581Lys; replaces arginine 1581 with lysine.
Molecular consequence: missense variant.
Genome position (GRCh38, 1-based): chr22:42,210,564, C>T on the plus strand (G>A on the coding strand, the complement: TCF20 is on the minus strand). VCF-style: chr22-42210564-C-T. GRCh37 (hg19) VCF-style: chr22-42606570-C-T.
Other names: c.4742G>A, p.Arg1581Lys (NM_005650.4, NM_181492.3); short protein forms R1581K.
Identifiers: ClinVar variation 3572573 (VCV003572573.1).

ClinVar aggregate classification (germline): Uncertain significance (1 of 4 stars; one submission).

Submission:

GeneDx
Classification: Uncertain significance. Last evaluated: 2024-07-08. Review status: criteria provided, single submitter. Criteria: GeneDx Variant Classification Process June 2021. Collection method: clinical testing. Allele origin: germline. Affected: yes.
Comment: Not observed at significant frequency in large population cohorts (gnomAD); In silico analysis indicates that this missense variant does not alter protein structure/function; Has not been previously published as pathogenic or benign to our knowledge